The following is an entry in ClinVar:

ClinVar aggregate classification (germline): Uncertain significance. Review status: criteria provided, multiple submitters, no conflicts (2 of 4 stars). 2 submissions from 2 submitters: Uncertain significance (2). Last evaluated 2023-10-14.

Conditions:
Multiple endocrine neoplasia type 4. Also called: MULTIPLE ENDOCRINE NEOPLASIA, TYPE IV. Identifiers: Orphanet 276152, MedGen C1970712, MONDO:0012552, OMIM 610755.
Hereditary cancer-predisposing syndrome. Also called: Neoplastic Syndromes, Hereditary; Tumor predisposition; Hereditary Cancer Syndrome; Hereditary neoplastic syndrome. Identifiers: Orphanet 140162, MedGen C0027672, MeSH D009386, MONDO:0015356.

gnomAD v4.1: 4 of 1,612,514 alleles (0.00025%); highest among the groups gnomAD compares: Non-Finnish European, 0.00025%; no homozygotes.

Submissions (2):

Labcorp Genetics (formerly Invitae), Labcorp
Classification: Uncertain significance for Multiple endocrine neoplasia type 4. Last evaluated: 2023-10-14. Review status: criteria provided, single submitter. Criteria: Invitae Variant Classification Sherloc (09022015). Collection method: clinical testing. Allele origin: germline.
Comment: This sequence change replaces valine, which is neutral and non-polar, with glycine, which is neutral and non-polar, at codon 131 of the CDKN1B protein (p.Val131Gly). This variant is not present in population databases (gnomAD no frequency). This variant has not been reported in the literature in individuals affected with CDKN1B-related conditions. ClinVar contains an entry for this variant (Variation ID: 1736261). Algorithms developed to predict the effect of missense changes on protein structure and function output the following: SIFT: "Not Available"; PolyPhen-2: "Benign"; Align-GVGD: "Not Available". The glycine amino acid residue is found in multiple mammalian species, which suggests that this missense change does not adversely affect protein function. In summary, the available evidence is currently insufficient to determine the role of this variant in disease. Therefore, it has been classified as a Variant of Uncertain Significance.

Ambry Genetics
Classification: Uncertain significance for Hereditary cancer-predisposing syndrome. Last evaluated: 2023-08-17. Review status: criteria provided, single submitter. Criteria: Ambry Variant Classification Scheme 2023. Collection method: clinical testing. Allele origin: germline.
Comment: The p.V131G variant (also known as c.392T>G), located in coding exon 1 of the CDKN1B gene, results from a T to G substitution at nucleotide position 392. The valine at codon 131 is replaced by glycine, an amino acid with dissimilar properties. This amino acid position is conserved. In addition, this alteration is predicted to be tolerated by in silico analysis. Since supporting evidence is limited at this time, the clinical significance of this alteration remains unclear.

NM_004064.5(CDKN1B):c.392T>G (p.Val131Gly)

Gene: CDKN1B (cyclin dependent kinase inhibitor 1B; plus strand). Cytogenetic location: 12p13.1.
Variant type: single nucleotide variant.
Coding change: c.392T>G on transcript NM_004064.5 (MANE Select); coding-DNA position 392, T replaced by G.
Protein change: p.Val131Gly; replaces valine 131 with glycine.
Molecular consequence: missense variant.
Genome position (GRCh38, 1-based): chr12:12,718,231, T>G. VCF-style: chr12-12718231-T-G. GRCh37 (hg19) VCF-style: chr12-12871165-T-G.
Other names: short protein forms V131G.
Identifiers: ClinVar variation 1736261 (VCV001736261.6), dbSNP rs1219626593, ClinGen allele CA383970583.